The following is an entry in ClinVar:

ClinVar aggregate classification (germline): Uncertain significance (1 of 4 stars; one submission).

Conditions:
Intellectual developmental disorder with autism and macrocephaly. Also called: CHD8-Related Neurodevelopmental Disorder with Overgrowth; Autism, susceptibility to, 18. Identifiers: Orphanet 642675, MedGen C3554373, MONDO:0014017, OMIM 615032.

Submission:

OLLIN Analises Genomicas, OLLIN
Classification: Uncertain significance for Intellectual developmental disorder with autism and macrocephaly. Last evaluated: 2026-08-06. Review status: criteria provided, single submitter. Criteria: ACMG Guidelines 2015 PMID 25741868. Collection method: clinical testing. Allele origin: germline. Inheritance: Autosomal dominant inheritance.
Comment: This missense variant, located in exon 2 (of 38), is absent from gnomAD and ClinVar and has not been identified in the literature. In silico analysis predicts that this variant has a deleterious effect. According to the currently available evidence, this variant has been classified as uncertain significance (PM2_P, PP3).

NM_001170629.2(CHD8):c.44T>C (p.Phe15Ser)

Gene: CHD8 (chromodomain helicase DNA binding protein 8; minus strand). Cytogenetic location: 14q11.2.
Variant type: single nucleotide variant.
Coding change: c.44T>C on transcript NM_001170629.2 (MANE Select); coding-DNA position 44, T replaced by C.
Protein change: p.Phe15Ser; replaces phenylalanine 15 with serine.
Molecular consequence: missense variant. On other transcripts: intron variant (1).
Genome position (GRCh38, 1-based): chr14:21,431,600, A>G on the plus strand (T>C on the coding strand, the complement: CHD8 is on the minus strand). VCF-style: chr14-21431600-A-G. GRCh37 (hg19) VCF-style: chr14-21899759-A-G.
Other names: c.6+211T>C (NM_020920.4); short protein forms F15S.
Identifiers: ClinVar variation 5002682 (VCV005002682.1).